The following is an entry in ClinVar:

ClinVar aggregate classification (germline): Conflicting classifications of pathogenicity. Review status: criteria provided, conflicting classifications (1 of 4 stars). 2 submissions from 2 submitters: Likely pathogenic (1); Uncertain significance (1). Last evaluated 2025-05-01.

Conditions:
Long QT syndrome (LQTS). Identifiers: MedGen C0023976, MeSH D008133, MONDO:0002442. Disease mechanism: loss of function. Inheritance: Various modes of inheritance.

Submissions (2):

Labcorp Genetics (formerly Invitae), Labcorp
Classification: Uncertain significance for Long QT syndrome. Last evaluated: 2025-05-01. Review status: criteria provided, single submitter. Criteria: Invitae Variant Classification Sherloc (09022015). Collection method: clinical testing. Allele origin: germline.
Comment: This sequence change replaces alanine, which is neutral and non-polar, with glycine, which is neutral and non-polar, at codon 344 of the KCNQ1 protein (p.Ala344Gly). This variant is not present in population databases (gnomAD no frequency). This missense change has been observed in individuals with long QT syndrome (PMID: 27920829; internal data). ClinVar contains an entry for this variant (Variation ID: 200900). Invitae Evidence Modeling of protein sequence and biophysical properties (such as structural, functional, and spatial information, amino acid conservation, physicochemical variation, residue mobility, and thermodynamic stability) has been performed for this missense variant. However, the output from this modeling did not meet the statistical confidence thresholds required to predict the impact of this variant on KCNQ1 protein function. This variant disrupts the p.Ala344 amino acid residue in KCNQ1. Other variant(s) that disrupt this residue have been determined to be pathogenic (PMID: 9386136, 16922724, 17088455, 17470695, 19490272, 24217263). This suggests that this residue is clinically significant, and that variants that disrupt this residue are likely to be disease-causing. In summary, the available evidence is currently insufficient to determine the role of this variant in disease. Therefore, it has been classified as a Variant of Uncertain Significance.

GeneDx
Classification: Likely pathogenic. Last evaluated: 2016-07-05. Review status: criteria provided, single submitter. Criteria: GeneDx Variant Classification (06012015). Collection method: clinical testing. Allele origin: germline. Affected: yes.
Comment: The Ala344Gly missense change has not been reported previously as a disease-causing mutation or a benign polymorphism, to our knowledge. Although Ala344Gly results in a conservative amino acid substitution of one non-polar amino acid with another, it occurs at a position that is highly conserved throughout evolution. Ala344Gly affects the S6 transmembrane domain of the cardiac potassium voltage-gated channel, KQT-like type 1, an important functional region of the protein. In silico analysis predicts Ala344Gly to be damaging to the protein structure/function ( Adzhubei IA et al., 2010). Furthermore, mutations in this codon (Ala344Glu, Ala344Val) and in nearby codons (Pro343, Gly345) have been reported in association with LQTS, further supporting the functional importance of this region of the protein. Ala344Gly was not observed in up to 400 alleles from control individuals of Caucasian and African American ancestry tested at GeneDx, indicating it is not a common benign polymorphism in these populations.

Literature cited by the submitters: PubMed 27920829 (cited by Labcorp Genetics (formerly Invitae), Labcorp); PubMed 9386136 (cited by Labcorp Genetics (formerly Invitae), Labcorp); PubMed 16922724 (cited by Labcorp Genetics (formerly Invitae), Labcorp); PubMed 17088455 (cited by Labcorp Genetics (formerly Invitae), Labcorp); PubMed 17470695 (cited by Labcorp Genetics (formerly Invitae), Labcorp); PubMed 19490272 (cited by Labcorp Genetics (formerly Invitae), Labcorp); PubMed 24217263 (cited by Labcorp Genetics (formerly Invitae), Labcorp).

NM_000218.3(KCNQ1):c.1031C>G (p.Ala344Gly)

Gene: KCNQ1 (potassium voltage-gated channel subfamily Q member 1; plus strand). Cytogenetic location: 11p15.5.
Variant type: single nucleotide variant.
Coding change: c.1031C>G on transcript NM_000218.3 (MANE Select); coding-DNA position 1031, C replaced by G.
Protein change: p.Ala344Gly; replaces alanine 344 with glycine.
Molecular consequence: missense variant.
Genome position (GRCh38, 1-based): chr11:2,583,544, C>G. VCF-style: chr11-2583544-C-G. GRCh37 (hg19) VCF-style: chr11-2604774-C-G.
Other names: p.A344G:GCG>GGG; c.1031C>G, p.Ala344Gly (NM_001406836.1); c.761C>G, p.Ala254Gly (NM_001406837.1); c.587C>G, p.Ala196Gly (NM_001406838.1); c.650C>G, p.Ala217Gly (NM_181798.2); short protein forms A217G, A344G, A254G, A196G.
Identifiers: ClinVar variation 200900 (VCV000200900.7), dbSNP rs199472763, ClinGen allele CA004959.